The following is an entry in ClinVar:

NM_001399.5(EDA):c.617C>T (p.Pro206Leu)

Gene: EDA (ectodysplasin A; plus strand). Cytogenetic location: Xq13.1.
Variant type: single nucleotide variant.
Coding change: c.617C>T on transcript NM_001399.5 (MANE Select); coding-DNA position 617, C replaced by T.
Protein change: p.Pro206Leu; replaces proline 206 with leucine.
Molecular consequence: missense variant.
Genome position (GRCh38, 1-based): chrX:70,027,947, C>T. VCF-style: chrX-70027947-C-T. GRCh37 (hg19) VCF-style: chrX-69247797-C-T.
Other names: c.617C>T, p.Pro206Leu (NM_001005609.2, NM_001005612.3); short protein forms P206L.
Identifiers: ClinVar variation 379815 (VCV000379815.10), dbSNP rs1057520742, ClinGen allele CA16608975.

ClinVar aggregate classification (germline): Likely pathogenic. Review status: criteria provided, multiple submitters, no conflicts (2 of 4 stars). 2 submissions from 2 submitters: Likely pathogenic (2). Last evaluated 2021-04-19.

Conditions:
Hypohidrotic X-linked ectodermal dysplasia (XHED). Also called: ECTODERMAL DYSPLASIA 1; ECTODERMAL DYSPLASIA, HYPOHIDROTIC, 1; CST SYNDROME; Ectodermal Dysplasia 1, Anhidrotic; Christ-Siemans-Touraine syndrome; Anhidrotic ectodermal dysplasia X-linked. Identifiers: Orphanet 181, Orphanet 238468, MedGen C0162359, MONDO:0010585, OMIM 305100.

Submissions (2):

GeneDx
Classification: Likely pathogenic. Last evaluated: 2021-04-19. Review status: criteria provided, single submitter. Criteria: GeneDx Variant Classification Process June 2021. Collection method: clinical testing. Allele origin: germline. Affected: yes.
Comment: Not observed in large population cohorts (Lek et al., 2016); Missense variants in this gene are often considered pathogenic (Stenson et al., 2014); In silico analysis supports that this missense variant has a deleterious effect on protein structure/function; Has not been previously published as pathogenic or benign to our knowledge

Labcorp Genetics (formerly Invitae), Labcorp
Classification: Likely pathogenic for Hypohidrotic X-linked ectodermal dysplasia. Last evaluated: 2016-08-12. Review status: criteria provided, single submitter. Criteria: Invitae Variant Classification Sherloc (09022015). Collection method: clinical testing. Allele origin: germline.
Comment: This sequence change replaces proline with leucine at codon 206 of the EDA protein (p.Pro206Leu). The proline residue is highly conserved and there is a moderate physicochemical difference between proline and leucine. This variant is not present in population databases (ExAC no frequency) and has not been reported in the literature in individuals with a EDA-related disease. Algorithms developed to predict the effect of missense changes on protein structure and function (SIFT, PolyPhen-2, Align-GVGD) all suggest that this variant is likely to be disruptive, but these predictions have not been confirmed by published functional studies. For these reasons, this variant has been classified as Likely Pathogenic.